The following is an entry in ClinVar:

NM_005413.4(SIX3):c.378C>T (p.Asn126=)

Gene: SIX3 (SIX homeobox 3; plus strand). Cytogenetic location: 2p21.
Variant type: single nucleotide variant.
Coding change: c.378C>T on transcript NM_005413.4 (MANE Select); coding-DNA position 378, C replaced by T.
Protein change: p.Asn126=; no amino-acid change (asparagine 126 retained).
Molecular consequence: synonymous variant.
Genome position (GRCh38, 1-based): chr2:44,942,482, C>T. VCF-style: chr2-44942482-C-T. GRCh37 (hg19) VCF-style: chr2-45169621-C-T.
Identifiers: ClinVar variation 4534532 (VCV004534532.6).

ClinVar aggregate classification (germline): Likely benign (1 of 4 stars; one submission).

Submission:

CeGaT Center for Human Genetics Tuebingen
Classification: Likely benign. Last evaluated: 2025-10-01. Review status: criteria provided, single submitter. Criteria: CeGaT Center For Human Genetics Tuebingen Variant Classification Criteria Version 2. Collection method: clinical testing. Allele origin: germline. Affected: yes. Observed: 1 variant allele.
Comment: SIX3: BP4, BP7